The following is an entry in ClinVar:

NM_013382.7(POMT2):c.479A>G (p.Tyr160Cys)

Gene: POMT2 (protein O-mannosyltransferase 2; minus strand). Cytogenetic location: 14q24.3.
Variant type: single nucleotide variant.
Coding change: c.479A>G on transcript NM_013382.7 (MANE Select); coding-DNA position 479, A replaced by G.
Protein change: p.Tyr160Cys; replaces tyrosine 160 with cysteine.
Molecular consequence: missense variant.
Genome position (GRCh38, 1-based): chr14:77,304,760, T>C on the plus strand (A>G on the coding strand, the complement: POMT2 is on the minus strand). VCF-style: chr14-77304760-T-C. GRCh37 (hg19) VCF-style: chr14-77771103-T-C.
Other names: short protein forms Y160C.
Identifiers: ClinVar variation 3768625 (VCV003768625.2).

ClinVar aggregate classification (germline): Uncertain significance. Review status: criteria provided, multiple submitters, no conflicts (2 of 4 stars). 2 submissions from 2 submitters: Uncertain significance (2). Last evaluated 2025-02-10.

Conditions:
Autosomal recessive limb-girdle muscular dystrophy type 2N. Also called: Muscular dystrophy-dystroglycanopathy (limb-girdle), type C, 2; MUSCULAR DYSTROPHY-DYSTROGLYCANOPATHY, LIMB-GIRDLE, POMT2-RELATED. Identifiers: Orphanet 206559, MedGen C3150418, MONDO:0013162, OMIM 613158.

gnomAD v4.1: 1 of 1,600,534 alleles (0.000062%); highest among the groups gnomAD compares: South Asian, 0.0011%; no homozygotes.

Submissions (2):

Women's Health and Genetics/Laboratory Corporation of America, LabCorp
Classification: Uncertain significance. Last evaluated: 2025-02-10. Review status: criteria provided, single submitter. Criteria: LabCorp Variant Classification Summary - May 2015. Collection method: clinical testing. Allele origin: germline.
Comment: Variant summary: POMT2 c.479A>G (p.Tyr160Cys) results in a non-conservative amino acid change in the encoded protein sequence. Five of five in-silico tools predict a damaging effect of the variant on protein function. The variant allele was found at a frequency of 4.4e-06 in 226642 control chromosomes. The available data on variant occurrences in the general population are insufficient to allow any conclusion about variant significance. c.479A>G has been reported in the literature in at least one individual affected with Limb-Girdle Muscular Dystrophy, Autosomal Recessive in compound heterozygous state. These data do not allow any conclusion about variant significance. To our knowledge, no experimental evidence demonstrating an impact on protein function has been reported. The following publication have been ascertained in the context of this evaluation (PMID: 33200426). No submitters have cited clinical-significance assessments for this variant to ClinVar. Based on the evidence outlined above, the variant was classified as uncertain significance.

Kariminejad - Najmabadi Pathology & Genetics Center
Classification: Uncertain significance for Autosomal recessive limb-girdle muscular dystrophy type 2N. Last evaluated: 2024-08-12. Review status: criteria provided, single submitter. Criteria: ACMG Guidelines, 2015. Collection method: clinical testing. Allele origin: germline. Inheritance: Autosomal recessive inheritance. Affected: yes.
Comment: (PP3_Moderate,PM2_Moderate,PM3_Supporting)

Literature cited by the submitters: PubMed 33200426 (cited by Women's Health and Genetics/Laboratory Corporation of America, LabCorp).